The following is an entry in ClinVar:

NM_020778.5(ALPK3):c.4057G>A (p.Gly1353Ser)

Gene: ALPK3 (alpha kinase 3; plus strand). Cytogenetic location: 15q25.3.
Variant type: single nucleotide variant.
Coding change: c.4057G>A on transcript NM_020778.5 (MANE Select); coding-DNA position 4057, G replaced by A.
Protein change: p.Gly1353Ser; replaces glycine 1353 with serine.
Molecular consequence: missense variant.
Genome position (GRCh38, 1-based): chr15:84,859,867, G>A. VCF-style: chr15-84859867-G-A. GRCh37 (hg19) VCF-style: chr15-85403098-G-A.
Other names: c.4663G>A (NM_020778.4); short protein forms G1353S.
Identifiers: ClinVar variation 1512978 (VCV001512978.9), dbSNP rs1363798738, ClinGen allele CA393361980.

ClinVar aggregate classification (germline): Uncertain significance. Review status: criteria provided, multiple submitters, no conflicts (2 of 4 stars). 3 submissions from 3 submitters: Uncertain significance (3). Last evaluated 2026-08-08.

Conditions:
Cardiovascular phenotype. Identifiers: MedGen CN230736.

Allele frequency attached by ClinVar (database versions not stated): gnomAD 0.00001 and 0.00002; TOPMed 0.00002; gnomAD exomes 0.00001.
gnomAD v4.1: 18 of 1,613,956 alleles (0.0011%); highest among the groups gnomAD compares: East Asian, 0.013%; no homozygotes.

Submissions (3):

Ambry Genetics
Classification: Uncertain significance for Cardiovascular phenotype. Last evaluated: 2026-08-08. Review status: criteria provided, single submitter. Criteria: Ambry Variant Classification Scheme 2023. Collection method: clinical testing. Allele origin: germline.
Comment: The p.G1555S variant (also known as c.4663G>A), located in coding exon 8 of the ALPK3 gene, results from a G to A substitution at nucleotide position 4663. The glycine at codon 1555 is replaced by serine, an amino acid with similar properties. This amino acid position is conserved. In addition, the in silico prediction for this alteration is inconclusive. Based on the available evidence, the clinical significance of this variant remains unclear.

Labcorp Genetics (formerly Invitae), Labcorp
Classification: Uncertain significance. Last evaluated: 2025-01-29. Review status: criteria provided, single submitter. Criteria: Invitae Variant Classification Sherloc (09022015). Collection method: clinical testing. Allele origin: germline.
Comment: This sequence change replaces glycine, which is neutral and non-polar, with serine, which is neutral and polar, at codon 1555 of the ALPK3 protein (p.Gly1555Ser). This variant is present in population databases (no rsID available, gnomAD 0.02%). This variant has not been reported in the literature in individuals affected with ALPK3-related conditions. ClinVar contains an entry for this variant (Variation ID: 1512978). Invitae Evidence Modeling of protein sequence and biophysical properties (such as structural, functional, and spatial information, amino acid conservation, physicochemical variation, residue mobility, and thermodynamic stability) indicates that this missense variant is not expected to disrupt ALPK3 protein function with a negative predictive value of 80%. In summary, the available evidence is currently insufficient to determine the role of this variant in disease. Therefore, it has been classified as a Variant of Uncertain Significance.

Blueprint Genetics
Classification: Uncertain significance. Last evaluated: 2024-08-20. Review status: criteria provided, single submitter. Criteria: ACMG Guidelines, 2015. Collection method: clinical testing. Allele origin: germline.